The following is an entry in ClinVar:

NM_001754.5(RUNX1):c.1279C>G (p.Arg427Gly)

Gene: RUNX1 (RUNX family transcription factor 1; minus strand). Cytogenetic location: 21q22.12.
Variant type: single nucleotide variant.
Coding change: c.1279C>G on transcript NM_001754.5 (MANE Select); coding-DNA position 1279, C replaced by G.
Protein change: p.Arg427Gly; replaces arginine 427 with glycine.
Molecular consequence: missense variant.
Genome position (GRCh38, 1-based): chr21:34,792,299, G>C on the plus strand (C>G on the coding strand, the complement: RUNX1 is on the minus strand). VCF-style: chr21-34792299-G-C. GRCh37 (hg19) VCF-style: chr21-36164596-G-C.
Other names: c.1198C>G, p.Arg400Gly (NM_001001890.3); short protein forms R427G, R400G.
Identifiers: ClinVar variation 5028590 (VCV005028590.1).

ClinVar aggregate classification (germline): Uncertain significance (1 of 4 stars; one submission).

Conditions:
Inborn genetic diseases. Identifiers: MedGen C0950123, MeSH D030342.

Submission:

Ambry Genetics
Classification: Uncertain significance for Inborn genetic diseases. Last evaluated: 2026-07-21. Review status: criteria provided, single submitter. Criteria: Ambry Variant Classification Scheme 2023. Collection method: clinical testing. Allele origin: germline.
Comment: The p.R427G variant (also known as c.1279C>G), located in coding exon 8 of the RUNX1 gene, results from a C to G substitution at nucleotide position 1279. The arginine at codon 427 is replaced by glycine, an amino acid with dissimilar properties. This amino acid position is conserved. In addition, the in silico prediction for this alteration is inconclusive. Based on the available evidence, the clinical significance of this variant remains unclear.